The following is an entry in ClinVar:

NM_024809.5(TCTN2):c.580T>G (p.Leu194Val)

Gene: TCTN2 (tectonic family member 2; plus strand). Cytogenetic location: 12q24.31.
Variant type: single nucleotide variant.
Coding change: c.580T>G on transcript NM_024809.5 (MANE Select); coding-DNA position 580, T replaced by G.
Protein change: p.Leu194Val; replaces leucine 194 with valine.
Molecular consequence: missense variant.
Genome position (GRCh38, 1-based): chr12:123,686,851, T>G. VCF-style: chr12-123686851-T-G. GRCh37 (hg19) VCF-style: chr12-124171398-T-G.
Other names: c.577T>G, p.Leu193Val (NM_001143850.3); c.580T>G, p.Leu194Val (NM_001410989.1); c.580T>G (NM_024809.3); short protein forms L194V, L193V.
Identifiers: ClinVar variation 2188817 (VCV002188817.4), dbSNP rs773579477, ClinGen allele CA6860936.
Genomic context (GRCh38, chr12:123,686,851, plus strand): 5'-ATCCTGACCACGGTCACAGCTCCTGCCTTTATGTTTGTCTTCCAGGAATGCTCATCAAAT[T>G]TAACAACGCTGTTCAGACGGTCCTGCTTCACCGGCGTGTTTGGAGGAGACGTCAATCCTC-3'
Protein context (NP_079085.2, residues 184-204): CCCDQECSSN[Leu194Val]TTLFRRSCFT

ClinVar aggregate classification (germline): Uncertain significance. Review status: criteria provided, multiple submitters, no conflicts (2 of 4 stars). 2 submissions from 2 submitters: Uncertain significance (2). Last evaluated 2025-10-29.

Conditions:
Inborn genetic diseases. Identifiers: MedGen C0950123, MeSH D030342.
Joubert syndrome. Also called: CEREBELLOPARENCHYMAL DISORDER IV; JOUBERT-BOLTSHAUSER SYNDROME; Familial aplasia of the vermis. Identifiers: Orphanet 475, MedGen C5979921, MONDO:0018772.
Meckel-Gruber syndrome. Also called: DYSENCEPHALIA SPLANCHNOCYSTICA; GRUBER SYNDROME; Dysencephalia splachnocystica. Identifiers: Orphanet 564, MedGen C0265215, MONDO:0018921.

Allele frequency attached by ClinVar (database versions not stated): gnomAD exomes below 0.00001; ExAC 0.00002; TOPMed 0.00002; gnomAD 0.00003.
gnomAD v4.1: 5 of 1,614,100 alleles (0.00031%); highest among the groups gnomAD compares: African/African-American, 0.0067%; no homozygotes.

Submissions (2):

Ambry Genetics
Classification: Uncertain significance for Inborn genetic diseases. Last evaluated: 2025-10-29. Review status: criteria provided, single submitter. Criteria: Ambry Variant Classification Scheme 2023. Collection method: clinical testing. Allele origin: germline.

Labcorp Genetics (formerly Invitae), Labcorp
Classification: Uncertain significance for Joubert syndrome; Meckel-Gruber syndrome. Last evaluated: 2022-07-20. Review status: criteria provided, single submitter. Criteria: Invitae Variant Classification Sherloc (09022015). Collection method: clinical testing. Allele origin: germline.
Comment: In summary, the available evidence is currently insufficient to determine the role of this variant in disease. Therefore, it has been classified as a Variant of Uncertain Significance. Algorithms developed to predict the effect of missense changes on protein structure and function output the following: SIFT: "Tolerated"; PolyPhen-2: "Benign"; Align-GVGD: "Class C0". The valine amino acid residue is found in multiple mammalian species, which suggests that this missense change does not adversely affect protein function. This variant has not been reported in the literature in individuals affected with TCTN2-related conditions. This variant is present in population databases (rs773579477, gnomAD 0.01%). This sequence change replaces leucine, which is neutral and non-polar, with valine, which is neutral and non-polar, at codon 194 of the TCTN2 protein (p.Leu194Val).